The following is an entry in ClinVar:

NM_003105.6(SORL1):c.6457G>A (p.Val2153Met)

Gene: SORL1 (sortilin related receptor 1; plus strand). Cytogenetic location: 11q24.1.
Variant type: single nucleotide variant.
Coding change: c.6457G>A on transcript NM_003105.6 (MANE Select); coding-DNA position 6457, G replaced by A.
Protein change: p.Val2153Met; replaces valine 2153 with methionine.
Molecular consequence: missense variant.
Genome position (GRCh38, 1-based): chr11:121,627,647, G>A. VCF-style: chr11-121627647-G-A. GRCh37 (hg19) VCF-style: chr11-121498356-G-A.
Other names: short protein forms V2153M.
Identifiers: ClinVar variation 1474348 (VCV001474348.6), dbSNP rs758620610, ClinGen allele CA383047279.

ClinVar aggregate classification (germline): Uncertain significance (1 of 4 stars; one submission).

Allele frequency attached by ClinVar (database versions not stated): TOPMed 0.00001.
gnomAD v4.1: 2 of 1,614,200 alleles (0.00012%); highest among the groups gnomAD compares: African/African-American, 0.0027%; no homozygotes.

Submission:

Labcorp Genetics (formerly Invitae), Labcorp
Classification: Uncertain significance. Last evaluated: 2022-01-26. Review status: criteria provided, single submitter. Criteria: Invitae Variant Classification Sherloc (09022015). Collection method: clinical testing. Allele origin: germline.
Comment: This sequence change replaces valine, which is neutral and non-polar, with methionine, which is neutral and non-polar, at codon 2153 of the SORL1 protein (p.Val2153Met). This variant is present in population databases (no rsID available, gnomAD 0.007%). This variant has not been reported in the literature in individuals affected with SORL1-related conditions. Algorithms developed to predict the effect of missense changes on protein structure and function (SIFT, PolyPhen-2, Align-GVGD) all suggest that this variant is likely to be tolerated. In summary, the available evidence is currently insufficient to determine the role of this variant in disease. Therefore, it has been classified as a Variant of Uncertain Significance.